The following is an entry in ClinVar:

NM_001288705.3(CSF1R):c.52C>G (p.Gln18Glu)

Gene: CSF1R (colony stimulating factor 1 receptor; minus strand). Cytogenetic location: 5q32.
Variant type: single nucleotide variant.
Coding change: c.52C>G on transcript NM_001288705.3 (MANE Select); coding-DNA position 52, C replaced by G.
Protein change: p.Gln18Glu; replaces glutamine 18 with glutamic acid.
Molecular consequence: missense variant. On other transcripts: 5 prime UTR variant (1), non-coding transcript variant (2).
Genome position (GRCh38, 1-based): chr5:150,081,022, G>C on the plus strand (C>G on the coding strand, the complement: CSF1R is on the minus strand). VCF-style: chr5-150081022-G-C. GRCh37 (hg19) VCF-style: chr5-149460585-G-C.
Other names: c.52C>G, p.Gln18Glu (NM_001349736.2, NM_001375320.1, NM_005211.4); c.-393C>G (NM_001375321.1); short protein forms Q18E.
Identifiers: ClinVar variation 4777267 (VCV004777267.1).

ClinVar aggregate classification (germline): Uncertain significance (1 of 4 stars; one submission).

gnomAD v4.1: 1 of 1,613,678 alleles (0.000062%); highest among the groups gnomAD compares: Admixed American, 0.0017%; no homozygotes.

Submission:

Labcorp Genetics (formerly Invitae), Labcorp
Classification: Uncertain significance. Last evaluated: 2025-02-24. Review status: criteria provided, single submitter. Criteria: Invitae Variant Classification Sherloc (09022015). Collection method: clinical testing. Allele origin: germline.
Comment: This sequence change replaces glutamine, which is neutral and polar, with glutamic acid, which is acidic and polar, at codon 18 of the CSF1R protein (p.Gln18Glu). This variant is not present in population databases (gnomAD no frequency). This variant has not been reported in the literature in individuals affected with CSF1R-related conditions. An algorithm developed to predict the effect of missense changes on protein structure and function (PolyPhen-2) suggests that this variant is likely to be tolerated. In summary, the available evidence is currently insufficient to determine the role of this variant in disease. Therefore, it has been classified as a Variant of Uncertain Significance.